The following is an entry in ClinVar:

ClinVar aggregate classification (germline): Uncertain significance (1 of 4 stars; one submission).

Conditions:
Inborn genetic diseases. Identifiers: MedGen C0950123, MeSH D030342.

Submission:

Ambry Genetics
Classification: Uncertain significance for Inborn genetic diseases. Last evaluated: 2025-12-28. Review status: criteria provided, single submitter. Criteria: Ambry Variant Classification Scheme 2023. Collection method: clinical testing. Allele origin: germline.
Comment: The p.M1369L variant (also known as c.4105A>C), located in coding exon 29 of the ANKRD26 gene, results from an A to C substitution at nucleotide position 4105. The methionine at codon 1369 is replaced by leucine, an amino acid with highly similar properties. This amino acid position is conserved. In addition, this alteration is predicted to be tolerated by in silico analysis. Based on the available evidence, the clinical significance of this variant remains unclear.

NM_014915.3(ANKRD26):c.4105A>C (p.Met1369Leu)

Gene: ANKRD26 (ankyrin repeat domain 26; minus strand). Cytogenetic location: 10p12.1.
Variant type: single nucleotide variant.
Coding change: c.4105A>C on transcript NM_014915.3 (MANE Select); coding-DNA position 4105, A replaced by C.
Protein change: p.Met1369Leu; replaces methionine 1369 with leucine.
Molecular consequence: missense variant.
Genome position (GRCh38, 1-based): chr10:27,022,668, T>G on the plus strand (A>C on the coding strand, the complement: ANKRD26 is on the minus strand). VCF-style: chr10-27022668-T-G. GRCh37 (hg19) VCF-style: chr10-27311597-T-G.
Other names: c.4102A>C, p.Met1368Leu (NM_001256053.2); short protein forms M1369L, M1368L.
Identifiers: ClinVar variation 4842352 (VCV004842352.1).